The following is an entry in ClinVar:

ClinVar aggregate classification (germline): Uncertain significance. Review status: criteria provided, multiple submitters, no conflicts (2 of 4 stars). 3 submissions from 3 submitters: Uncertain significance (2). 1 of the submissions does not count toward it. Last evaluated 2026-08-12.

Conditions:
TTN-related disorder. Also called: TTN-related condition; TTN-related disease; TTN-related disorders.
Autosomal recessive limb-girdle muscular dystrophy type 2J (LGMDR10). Also called: Limb-girdle muscular dystrophy, type 2J; MUSCULAR DYSTROPHY, LIMB-GIRDLE, AUTOSOMAL RECESSIVE 10. Identifiers: Orphanet 140922, MedGen C1837342, MONDO:0012127, OMIM 608807.
Dilated cardiomyopathy 1G (CMD1G). Identifiers: Orphanet 154, MedGen C1858763, MONDO:0011400, OMIM 604145.

Allele frequency attached by ClinVar (database versions not stated): gnomAD 0.00001; gnomAD exomes 0.00001; TOPMed 0.00002.
gnomAD v4.1: 9 of 1,613,942 alleles (0.00056%); highest among the groups gnomAD compares: East Asian, 0.0045%; no homozygotes.

Submissions (3):

PreventionGenetics, part of Exact Sciences
Classification: Uncertain significance for TTN-related condition. Last evaluated: 2026-08-12. Review status: criteria provided, single submitter. Criteria: ACMG Guidelines, 2015. Collection method: clinical testing. Allele origin: germline.
Comment: The TTN c.9520G>A variant is predicted to result in the amino acid substitution p.Asp3174Asn. To our knowledge, this variant has not been reported in the literature. This variant is reported in 0.0040% of alleles in individuals of African descent in gnomAD. At this time, the clinical significance of this variant is uncertain due to the absence of conclusive functional and genetic evidence.

Labcorp Genetics (formerly Invitae), Labcorp
Classification: Uncertain significance for Dilated cardiomyopathy 1G; Autosomal recessive limb-girdle muscular dystrophy type 2J. Last evaluated: 2017-05-08. Review status: criteria provided, single submitter. Criteria: Invitae Variant Classification Sherloc (09022015). Collection method: clinical testing. Allele origin: germline.

Department of Pathology and Laboratory Medicine, Sinai Health System
Classification: Uncertain significance. Review status: no assertion criteria provided. Collection method: clinical testing. Allele origin: unknown. Affected: yes. Study: The Canadian Open Genetics Repository (COGR). Not counted in ClinVar's aggregate classification.
Comment: The TTN p.Asp3174Asn variant was not identified in the literature but was identified in dbSNP (ID: rs984157404) and ClinVar (classified as uncertain signififance by Invitae for Dilated cardiomyopathy 1G Limb-girdle muscular dystrophy, type 2J). The variant was identified in control databases in 3 of 282198 chromosomes at a frequency of (Genome Aggregation Database March 6, 2019, v2.1.1). The variant was observed in the following populations: African in 1 of 24970 chromosomes (freq: 0.00004), Latino in 1 of 35400 chromosomes (freq: 0.000028) and European (non-Finnish) in 1 of 128636 chromosomes (freq: 0.000008), but was not observed in the Ashkenazi Jewish, East Asian, European (Finnish), Other, or South Asian populations. The p.Asp3174 residue is conserved across mammals and other organisms, and computational analyses (PolyPhen-2, SIFT, AlignGVGD, BLOSUM, MutationTaster) provide inconsistent predictions regarding the impact to the protein; this is not very predictive of pathogenicity. The variant occurs outside of the splicing consensus sequence and in silico or computational prediction software programs (SpliceSiteFinder, MaxEntScan, NNSPLICE, GeneSplicer) do not predict a difference in splicing. In summary, based on the above information the clinical significance of this variant cannot be determined with certainty at this time. This variant is classified as a variant of uncertain significance.

NM_001267550.2(TTN):c.9520G>A (p.Asp3174Asn)

Gene: TTN (titin; minus strand). Cytogenetic location: 2q31.2.
Variant type: single nucleotide variant.
Coding change: c.9520G>A on transcript NM_001267550.2 (MANE Select); coding-DNA position 9520, G replaced by A.
Protein change: p.Asp3174Asn; replaces aspartic acid 3174 with asparagine.
Molecular consequence: missense variant.
Genome position (GRCh38, 1-based): chr2:178,766,564, C>T on the plus strand (G>A on the coding strand, the complement: TTN is on the minus strand). VCF-style: chr2-178766564-C-T. GRCh37 (hg19) VCF-style: chr2-179631291-C-T.
Other names: c.9520G>A, p.Asp3174Asn (NM_001256850.1, NM_133378.4, NM_133379.5); c.9382G>A, p.Asp3128Asn (NM_003319.4, NM_133432.3, NM_133437.4); short protein forms D3174N, D3128N.
Identifiers: ClinVar variation 467669 (VCV000467669.5), dbSNP rs984157404, ClinGen allele CA61000063.